The following is an entry in ClinVar:

ClinVar aggregate classification (germline): Pathogenic (1 of 4 stars; one submission).

Submission:

GeneDx
Classification: Pathogenic. Last evaluated: 2022-10-05. Review status: criteria provided, single submitter. Criteria: GeneDx Variant Classification Process June 2021. Collection method: clinical testing. Allele origin: germline. Affected: yes.
Comment: Nonsense variant predicted to result in protein truncation or nonsense mediated decay in a gene for which loss of function is a known mechanism of disease; Not observed at significant frequency in large population cohorts (gnomAD); This variant is associated with the following publications: (PMID: 27620904, 34775996, 30349098)

NM_001374828.1(ARID1B):c.5110C>T (p.Gln1704Ter)

Gene: ARID1B (AT-rich interaction domain 1B; plus strand). Cytogenetic location: 6q25.3.
Variant type: single nucleotide variant.
Coding change: c.5110C>T on transcript NM_001374828.1 (MANE Select); coding-DNA position 5110, C replaced by T.
Protein change: p.Gln1704Ter; replaces glutamine 1704 with a stop codon.
Molecular consequence: nonsense.
Genome position (GRCh38, 1-based): chr6:157,201,335, C>T. VCF-style: chr6-157201335-C-T. GRCh37 (hg19) VCF-style: chr6-157522469-C-T.
Other names: c.4741C>T, p.Gln1581Ter (NM_020732.3); c.2611C>T, p.Gln871Ter (NM_001363725.2); c.4990C>T, p.Gln1664Ter (NM_001371656.1, NM_001374820.1); c.4951C>T, p.Gln1651Ter (NM_017519.3); short protein forms Q1581*, Q871*, Q1651*, Q1664*, Q1704*.
Identifiers: ClinVar variation 450039 (VCV000450039.4), dbSNP rs1554235950, ClinGen allele CA366242607.